The following is an entry in ClinVar:

ClinVar aggregate classification (germline): Likely benign (0 of 4 stars; one submission).

Conditions:
CA12-related disorder. Also called: CA12-related condition.

Allele frequency attached by ClinVar (database versions not stated): ExAC 0.00008; ESP Exome Variant Server 0.00008; TOPMed 0.00012; gnomAD 0.00013.
gnomAD v4.1: 440 of 1,613,878 alleles (0.027%); highest among the groups gnomAD compares: Non-Finnish European, 0.036%; no homozygotes.

Submission:

PreventionGenetics, part of Exact Sciences
Classification: Likely benign for CA12-related condition. Last evaluated: 2019-06-02. Review status: no assertion criteria provided. Collection method: clinical testing. Allele origin: germline.
Comment: This variant is classified as likely benign based on ACMG/AMP sequence variant interpretation guidelines (Richards et al. 2015 PMID: 25741868, with internal and published modifications).

NM_001218.5(CA12):c.936C>T (p.Gly312=)

Gene: CA12 (carbonic anhydrase 12; minus strand). Cytogenetic location: 15q22.2.
Variant type: single nucleotide variant.
Coding change: c.936C>T on transcript NM_001218.5 (MANE Select); coding-DNA position 936, C replaced by T.
Protein change: p.Gly312=; no amino-acid change (glycine 312 retained).
Molecular consequence: synonymous variant. On other transcripts: non-coding transcript variant (1).
Genome position (GRCh38, 1-based): chr15:63,327,205, G>A on the plus strand (C>T on the coding strand, the complement: CA12 is on the minus strand). VCF-style: chr15-63327205-G-A. GRCh37 (hg19) VCF-style: chr15-63619404-G-A.
Other names: c.723C>T, p.Gly241= (NM_001293642.2); c.903C>T, p.Gly301= (NM_206925.3).
Identifiers: ClinVar variation 3044868 (VCV003044868.2), dbSNP rs369371181, ClinGen allele CA7602282.
Genomic context (GRCh38, chr15:63,327,205, plus strand): 5'-TCACCTCTTCCTTCTGAAAAGCCAAATGGACACCACCACCACAATACAGATGCCAAGAAT[G>A]CCAGCCAGGGCCAGTGAGAGGATGATGCCTGGTGAAGAGGTAGAGGGCACACATTACATT-3'
Protein context (NP_001209.1, residues 302-322): LGIILSLALA[Gly312=]ILGICIVVVV